The following is an entry in ClinVar:

NM_206933.4(USH2A):c.6370_6381del (p.Thr2124_Gly2127del)

Gene: USH2A (usherin; minus strand). Cytogenetic location: 1q41.
Variant type: Deletion.
Coding change: c.6370_6381del on transcript NM_206933.4 (MANE Select); coding-DNA positions 6370 to 6381, 12 bases deleted (ACACATGTGGGC).
Protein change: p.Thr2124_Gly2127del.
Molecular consequence: inframe deletion.
Genome position (GRCh38, 1-based): chr1:216,000,507-216,000,518, GCCCACATGTGT deleted on the plus strand (ACACATGTGGGC on the coding strand, the reverse complement: USH2A is on the minus strand); deleting any 12 consecutive bases within chr1:216,000,507-216,000,520 gives the same sequence; the c. name uses the placement nearest the transcript's 3' end. VCF-style (leftmost placement, unchanged base first): chr1-216000506-AGCCCACATGTGT-A. GRCh37 (hg19) VCF-style: chr1-216173848-AGCCCACATGTGT-A.
Identifiers: ClinVar variation 1045328 (VCV001045328.8), dbSNP rs1668244362, ClinGen allele CA1220508508.

ClinVar aggregate classification (germline): Uncertain significance (1 of 4 stars; one submission).

Submission:

Labcorp Genetics (formerly Invitae), Labcorp
Classification: Uncertain significance. Last evaluated: 2022-06-13. Review status: criteria provided, single submitter. Criteria: Invitae Variant Classification Sherloc (09022015). Collection method: clinical testing. Allele origin: germline.
Comment: In summary, the available evidence is currently insufficient to determine the role of this variant in disease. Therefore, it has been classified as a Variant of Uncertain Significance. Experimental studies and prediction algorithms are not available or were not evaluated, and the functional significance of this variant is currently unknown. ClinVar contains an entry for this variant (Variation ID: 1045328). This variant has not been reported in the literature in individuals affected with USH2A-related conditions. This variant is not present in population databases (gnomAD no frequency). This variant, c.6370_6381del, results in the deletion of 4 amino acid(s) of the USH2A protein (p.Thr2124_Gly2127del), but otherwise preserves the integrity of the reading frame.